The following is an entry in ClinVar:

ClinVar aggregate classification (germline): Pathogenic (1 of 4 stars; one submission).

Conditions:
46,XY sex reversal 2. Also called: NR0B1-Related 46,XY CGD; NR0B1-related 46,XY complete gonadal dysgenesis; Dosage-sensitive sex reversal; 46,XY SEX REVERSAL, DAX1-RELATED; 46XY sex reversal 2, dosage-sensitive. Identifiers: MedGen C1848296, MONDO:0010226, OMIM 300018.
Congenital adrenal hypoplasia, X-linked (AHC). Also called: Isolated X-Linked Adrenal Hypoplasia Congenita; X-linked AHC; X-Linked Adrenal Hypoplasia Congenita; ADRENAL HYPOPLASIA, CONGENITAL, WITH HYPOGONADOTROPIC HYPOGONADISM. Identifiers: Orphanet 95702, MedGen C0342482, MONDO:0010264, OMIM 300200. Disease mechanism: loss of function.

Submission:

Labcorp Genetics (formerly Invitae), Labcorp
Classification: Pathogenic for Congenital adrenal hypoplasia, X-linked; 46,XY sex reversal 2. Last evaluated: 2024-10-30. Review status: criteria provided, single submitter. Criteria: Invitae Variant Classification Sherloc (09022015). Collection method: clinical testing. Allele origin: germline.
Comment: This sequence change creates a premature translational stop signal (p.Ala347Glyfs*42) in the NR0B1 gene. While this is not anticipated to result in nonsense mediated decay, it is expected to disrupt the last 124 amino acid(s) of the NR0B1 protein. This variant is not present in population databases (gnomAD no frequency). This variant has not been reported in the literature in individuals affected with NR0B1-related conditions. This variant disrupts a region of the NR0B1 protein in which other variant(s) (p.Ser431Ilefs*6) have been determined to be pathogenic (PMID: 7609262, 26500747). This suggests that this is a clinically significant region of the protein, and that variants that disrupt it are likely to be disease-causing. For these reasons, this variant has been classified as Pathogenic.

Literature cited by the submitters: PubMed 7609262; PubMed 26500747.

NM_000475.5(NR0B1):c.1037_1038insA (p.Ala347fs)

Gene: NR0B1 (nuclear receptor subfamily 0 group B member 1; minus strand). Cytogenetic location: Xp21.2.
Variant type: Insertion.
Coding change: c.1037_1038insA on transcript NM_000475.5 (MANE Select); coding-DNA positions 1037 to 1038, A inserted.
Protein change: p.Ala347fs; shifts the reading frame from alanine 347.
Molecular consequence: frameshift variant.
Genome position: GRCh38 VCF-style: chrX-30308326-C-CT. GRCh37 (hg19) VCF-style: chrX-30326443-C-CT.
Other names: short protein forms A347fs.
Identifiers: ClinVar variation 3757778 (VCV003757778.2).
Genomic context (GRCh38, chrX:30,308,326, plus strand): 5'-GGAAAGAAAGCACTTGATGGCTTGGACCTGGGAGGCGGAGGGCACCTTCCTGGCCTCCGC[C>CT]GGCGGTGCCAAATGGTGCTGCAGCGTGGGCACGGGCAGTGGCTCGTTGCCCCCGGTCTCC-3'